The following is an entry in ClinVar:

ClinVar aggregate classification (germline): Uncertain significance. Review status: criteria provided, multiple submitters, no conflicts (2 of 4 stars). 2 submissions from 2 submitters: Uncertain significance (2). Last evaluated 2026-03-16.

Conditions:
Dyskeratosis congenita. Identifiers: Orphanet 1775, MedGen C0265965, MONDO:0015780.

Allele frequency attached by ClinVar (database versions not stated): gnomAD 0.00001; TOPMed 0.00001; ExAC 0.00002.

Submissions (2):

GeneDx
Classification: Uncertain significance. Last evaluated: 2026-03-16. Review status: criteria provided, single submitter. Criteria: GeneDx Variant Classification Process June 2021. Collection method: clinical testing. Allele origin: germline.
Comment: Not observed at significant frequency in large population cohorts (gnomAD); In silico analysis suggests that this missense variant does not alter protein structure/function; Has not been previously published as pathogenic or benign to our knowledge

Labcorp Genetics (formerly Invitae), Labcorp
Classification: Uncertain significance for Dyskeratosis congenita. Last evaluated: 2026-01-26. Review status: criteria provided, single submitter. Criteria: Invitae Variant Classification Sherloc (09022015). Collection method: clinical testing. Allele origin: germline.
Comment: This sequence change replaces proline, which is neutral and non-polar, with threonine, which is neutral and polar, at codon 431 of the TINF2 protein (p.Pro431Thr). This variant is present in population databases (rs756840009, gnomAD 0.003%). This variant has not been reported in the literature in individuals affected with TINF2-related conditions. ClinVar contains an entry for this variant (Variation ID: 1518839). An algorithm developed to predict the effect of missense changes on protein structure and function outputs the following: PolyPhen-2: "Benign". The threonine amino acid residue is found in multiple mammalian species, which suggests that this missense change does not adversely affect protein function. In summary, the available evidence is currently insufficient to determine the role of this variant in disease. Therefore, it has been classified as a Variant of Uncertain Significance.

NM_001099274.3(TINF2):c.1291C>A (p.Pro431Thr)

Gene: TINF2 (TERF1 interacting nuclear factor 2; minus strand). Cytogenetic location: 14q12.
Variant type: single nucleotide variant.
Coding change: c.1291C>A on transcript NM_001099274.3 (MANE Select); coding-DNA position 1291, C replaced by A.
Protein change: p.Pro431Thr; replaces proline 431 with threonine.
Molecular consequence: missense variant. On other transcripts: 3 prime UTR variant (1).
Genome position (GRCh38, 1-based): chr14:24,239,862, G>T on the plus strand (C>A on the coding strand, the complement: TINF2 is on the minus strand). VCF-style: chr14-24239862-G-T. GRCh37 (hg19) VCF-style: chr14-24709068-G-T.
Other names: c.1291C>A (NM_001099274.1); c.1186C>A, p.Pro396Thr (NM_001363668.2); c.*553C>A (NM_012461.3); short protein forms P396T, P431T.
Identifiers: ClinVar variation 1518839 (VCV001518839.9), dbSNP rs756840009, ClinGen allele CA7130421.